The following is an entry in ClinVar:

NC_000005.10:g.112707316A>T

Gene: APC (APC regulator of Wnt signaling pathway; plus strand). Cytogenetic location: 5q22.2.
Variant type: single nucleotide variant.
Genome position: GRCh38 VCF-style: chr5-112707316-A-T. GRCh37 (hg19) VCF-style: chr5-112043013-A-T.
Identifiers: ClinVar variation 1410279 (VCV001410279.6), dbSNP rs2149627907, ClinGen allele CA2573138730.

ClinVar aggregate classification (germline): Uncertain significance (1 of 4 stars; one submission).

Conditions:
Familial adenomatous polyposis 1 (FAP1). Also called: FAMILIAL ADENOMATOUS POLYPOSIS 1, ATTENUATED; POLYPOSIS, ADENOMATOUS INTESTINAL. Identifiers: MedGen C2713442, MONDO:0021056, OMIM 175100. Disease mechanism: loss of function.

Submission:

Labcorp Genetics (formerly Invitae), Labcorp
Classification: Uncertain significance for Familial adenomatous polyposis 1. Last evaluated: 2021-04-11. Review status: criteria provided, single submitter. Criteria: Invitae Variant Classification Sherloc (09022015). Collection method: clinical testing. Allele origin: germline.
Comment: In summary, the available evidence is currently insufficient to determine the role of this variant in disease. Therefore, it has been classified as a Variant of Uncertain Significance. Experimental studies and prediction algorithms are not available or were not evaluated, and the functional significance of this variant is currently unknown. This variant has not been reported in the literature in individuals with APC-related conditions. The frequency data for this variant in the population databases is considered unreliable, as metrics indicate insufficient coverage at this position in the ExAC database. This variant occurs in a non-coding region of the APC gene. It does not change the encoded amino acid sequence of the APC protein.